The following is an entry in ClinVar:

NM_033056.4(PCDH15):c.5339C>A (p.Pro1780His)

Gene: PCDH15 (protocadherin related 15; minus strand). Cytogenetic location: 10q21.1.
Variant type: single nucleotide variant.
Coding change: c.5339C>A on transcript NM_033056.4 (MANE Plus Clinical); coding-DNA position 5339, C replaced by A.
Protein change: p.Pro1780His; replaces proline 1780 with histidine.
Molecular consequence: missense variant. On other transcripts: intron variant (8).
Genome position (GRCh38, 1-based): chr10:53,822,387, G>T on the plus strand (C>A on the coding strand, the complement: PCDH15 is on the minus strand). VCF-style: chr10-53822387-G-T. GRCh37 (hg19) VCF-style: chr10-55582147-G-T.
Other names: c.5360C>A, p.Pro1787His (NM_001142763.2); c.5345C>A, p.Pro1782His (NM_001142764.2); c.5132C>A, p.Pro1711His (NM_001142765.2); c.5330C>A, p.Pro1777His (NM_001142766.2); c.5219C>A, p.Pro1740His (NM_001142767.2); c.5279C>A, p.Pro1760His (NM_001142768.2); c.5270C>A, p.Pro1757His (NM_001142773.2); c.5273C>A, p.Pro1758His (NM_001354404.2); and 7 more; short protein forms P1740H, P1760H, P1787H, P1777H, P1711H, P1757H, P1758H, P1782H.
Identifiers: ClinVar variation 1029009 (VCV001029009.1), dbSNP rs1564533607, ClinGen allele CA376525134.

ClinVar aggregate classification (germline): Uncertain significance (1 of 4 stars; one submission).

Conditions:
Autosomal recessive nonsyndromic hearing loss 23. Identifiers: Orphanet 90636, MedGen C1836027, MONDO:0012293, OMIM 609533.

Submission:

Baylor Genetics
Classification: Uncertain significance for Autosomal recessive nonsyndromic hearing loss 23. Last evaluated: 2019-08-21. Review status: criteria provided, single submitter. Criteria: ACMG Guidelines, 2015. Collection method: clinical testing. Allele origin: unknown. Affected: yes.
Comment: This variant was determined to be of uncertain significance according to ACMG Guidelines, 2015 [PMID:25741868].